The following is an entry in ClinVar:

ClinVar aggregate classification (germline): Uncertain significance (1 of 4 stars; one submission).

Conditions:
Neuromuscular disorder, congenital, with dysmorphic facies. Identifiers: MedGen C5935643, MONDO:0958332, OMIM 620775.

gnomAD v4.1: 8 of 1,613,984 alleles (0.0005%); highest among the groups gnomAD compares: African/African-American, 0.004%; no homozygotes.

Submission:

OLLIN Analises Genomicas, OLLIN
Classification: Uncertain significance for Neuromuscular disorder, congenital, with dysmorphic facies. Last evaluated: 2026-08-06. Review status: criteria provided, single submitter. Criteria: ACMG Guidelines 2015 PMID 25741868. Collection method: clinical testing. Allele origin: germline. Inheritance: Autosomal recessive inheritance.
Comment: This missense variant, located in exon 5 (of 6), has been observed in gnomAD with an allele frequency of 0.0005%, but has not been reported in ClinVar or identified in the literature. In silico analysis predicts that this variant has a tolerated effect. According to the currently available evidence, this variant has been classified as uncertain significance (PM2_P, BP4_M).

NM_015687.5(FILIP1):c.3152G>A (p.Arg1051Gln)

Gene: FILIP1 (filamin A interacting protein 1; minus strand). Cytogenetic location: 6q14.1.
Variant type: single nucleotide variant.
Coding change: c.3152G>A on transcript NM_015687.5 (MANE Select); coding-DNA position 3152, G replaced by A.
Protein change: p.Arg1051Gln; replaces arginine 1051 with glutamine.
Molecular consequence: missense variant.
Genome position (GRCh38, 1-based): chr6:75,312,680, C>T on the plus strand (G>A on the coding strand, the complement: FILIP1 is on the minus strand). VCF-style: chr6-75312680-C-T. GRCh37 (hg19) VCF-style: chr6-76022396-C-T.
Other names: c.3161G>A, p.Arg1054Gln (NM_001289987.3); c.3152G>A, p.Arg1051Gln (NM_001300866.3); short protein forms R1051Q, R1054Q.
Identifiers: ClinVar variation 5002989 (VCV005002989.1).